The following is an entry in ClinVar:

NM_001008537.3(NEXMIF):c.2672A>G (p.Asn891Ser)

Gene: NEXMIF (neurite extension and migration factor; minus strand). Cytogenetic location: Xq13.3.
Variant type: single nucleotide variant.
Coding change: c.2672A>G on transcript NM_001008537.3 (MANE Select); coding-DNA position 2672, A replaced by G.
Protein change: p.Asn891Ser; replaces asparagine 891 with serine.
Molecular consequence: missense variant.
Genome position (GRCh38, 1-based): chrX:74,741,885, T>C on the plus strand (A>G on the coding strand, the complement: NEXMIF is on the minus strand). VCF-style: chrX-74741885-T-C. GRCh37 (hg19) VCF-style: chrX-73961720-T-C.
Other names: short protein forms N891S.
Identifiers: ClinVar variation 93464 (VCV000093464.28), dbSNP rs186535459, ClinGen allele CA221423.
Genomic context (GRCh38, chrX:74,741,885, plus strand): 5'-GTTGGGGCTATCTCCCTTGAGACTTCAGCCATGAATTCCTGGGTGCCAGAAGTAGCCTTG[T>C]TGGGCCACACATTTCTATAGTTGCTTGATTCCATTTTGAAGTTATGAGATGACTGCTGCA-3'
Protein context (NP_001008537.1, residues 881-901): ESSNYRNVWP[Asn891Ser]KATSGTQEFM

ClinVar aggregate classification (germline): Conflicting classifications of pathogenicity. Review status: criteria provided, conflicting classifications (1 of 4 stars). 6 submissions from 6 submitters: Uncertain significance (1); Benign (3); Likely benign (1). 1 of the submissions does not count toward it. Last evaluated 2026-08-01.

Conditions:
NEXMIF-related disorder. Also called: NEXMIF-related condition.

Allele frequency attached by ClinVar (database versions not stated): gnomAD 0.00009 and 0.00008; gnomAD exomes 0.00009 and 0.00045; TOPMed 0.00018; ExAC 0.00039; 1000 Genomes Project 0.00053; 1000 Genomes Project 30x 0.00042.
gnomAD v4.1: 104 of 1,210,456 alleles (0.0086%); highest among the groups gnomAD compares: Admixed American, 0.21%; no homozygotes.

Submissions (6):

CeGaT Center for Human Genetics Tuebingen
Classification: Likely benign. Last evaluated: 2026-08-01. Review status: criteria provided, single submitter. Criteria: CeGaT Center For Human Genetics Tuebingen Variant Classification Criteria Version 2. Collection method: clinical testing. Allele origin: germline. Affected: yes. Observed: 3 variant alleles.
Comment: NEXMIF: BP4, BS2

Labcorp Genetics (formerly Invitae), Labcorp
Classification: Benign. Last evaluated: 2026-02-03. Review status: criteria provided, single submitter. Criteria: Invitae Variant Classification Sherloc (09022015). Collection method: clinical testing. Allele origin: germline.

GeneDx
Classification: Benign. Last evaluated: 2021-03-08. Review status: criteria provided, single submitter. Criteria: GeneDx Variant Classification Process June 2021. Collection method: clinical testing. Allele origin: germline. Affected: yes.

Ambry Genetics
Classification: Benign. Last evaluated: 2017-06-28. Review status: criteria provided, single submitter. Criteria: Ambry Variant Classification Scheme 2023. Collection method: clinical testing. Allele origin: germline.

Eurofins Ntd Llc (ga)
Classification: Uncertain significance. Last evaluated: 2013-05-13. Review status: criteria provided, single submitter. Criteria: EGL Classification Definitions 2015. Collection method: clinical testing. Allele origin: germline. Observed: 2 variant alleles, 1 heterozygote, 1 hemizygote.

PreventionGenetics, part of Exact Sciences
Classification: Likely benign for NEXMIF-related condition. Last evaluated: 2024-01-18. Review status: no assertion criteria provided. Collection method: clinical testing. Allele origin: germline. Not counted in ClinVar's aggregate classification.
Comment: This variant is classified as likely benign based on ACMG/AMP sequence variant interpretation guidelines (Richards et al. 2015 PMID: 25741868, with internal and published modifications).